The following is an entry in ClinVar:

ClinVar aggregate classification (germline): Uncertain significance (1 of 4 stars; one submission).

gnomAD v4.1: 22 of 1,537,090 alleles (0.0014%); highest among the groups gnomAD compares: East Asian, 0.015%; no homozygotes.

Submission:

GeneDx
Classification: Uncertain significance. Last evaluated: 2026-04-14. Review status: criteria provided, single submitter. Criteria: GeneDx Variant Classification Process June 2021. Collection method: clinical testing. Allele origin: germline.
Comment: In silico analysis suggests that this missense variant does not alter protein structure/function; Has not been previously published as pathogenic or benign to our knowledge

NM_001378183.1(PIEZO2):c.5912C>T (p.Pro1971Leu)

Gene: PIEZO2 (piezo type mechanosensitive ion channel component 2; minus strand). Cytogenetic location: 18p11.22.
Variant type: single nucleotide variant.
Coding change: c.5912C>T on transcript NM_001378183.1 (MANE Select); coding-DNA position 5912, C replaced by T.
Protein change: p.Pro1971Leu; replaces proline 1971 with leucine.
Molecular consequence: missense variant.
Genome position (GRCh38, 1-based): chr18:10,705,423, G>A on the plus strand (C>T on the coding strand, the complement: PIEZO2 is on the minus strand). VCF-style: chr18-10705423-G-A. GRCh37 (hg19) VCF-style: chr18-10705421-G-A.
Other names: c.5648C>T, p.Pro1883Leu (NM_001410871.1); c.5573C>T, p.Pro1858Leu (NM_022068.4); short protein forms P1858L, P1883L, P1971L.
Identifiers: ClinVar variation 5037695 (VCV005037695.1).
Genomic context (GRCh38, chr18:10,705,423, plus strand): 5'-AGCTCATGGGTCAGGGGAGGTAAGATGCTGGACCCCAGCTTGTCGGTGCGGCTGTCGTCC[G>A]GGCTGACTGCCATACGGTTCTTGCCTGCAGAGTCGTCCTGCGAGCCGAAGGACAGATGCT-3'
Protein context (NP_001365112.1, residues 1961-1981): SAGKNRMAVS[Pro1971Leu]DDSRTDKLGS